The following is an entry in ClinVar:

NM_182961.4(SYNE1):c.24263G>A (p.Arg8088Lys)

Gene: SYNE1 (spectrin repeat containing nuclear envelope protein 1; minus strand). Cytogenetic location: 6q25.2.
Variant type: single nucleotide variant.
Coding change: c.24263G>A on transcript NM_182961.4 (MANE Select); coding-DNA position 24263, G replaced by A.
Protein change: p.Arg8088Lys; replaces arginine 8088 with lysine.
Molecular consequence: missense variant.
Genome position (GRCh38, 1-based): chr6:152,152,008, C>T on the plus strand (G>A on the coding strand, the complement: SYNE1 is on the minus strand). VCF-style: chr6-152152008-C-T. GRCh37 (hg19) VCF-style: chr6-152473143-C-T.
Other names: c.869G>A, p.Arg290Lys (NM_001347701.2); c.728G>A, p.Arg243Lys (NM_001347702.2); c.24050G>A, p.Arg8017Lys (NM_033071.5); short protein forms R8088K, R243K, R8017K, R290K.
Identifiers: ClinVar variation 2168447 (VCV002168447.4), dbSNP rs2550141891, ClinGen allele CA366086925.

ClinVar aggregate classification (germline): Uncertain significance (1 of 4 stars; one submission).

Conditions:
Autosomal recessive ataxia, Beauce type. Also called: SYNE1-Related Autosomal Recessive Cerebellar Ataxia; Spinocerebellar ataxia, autosomal recessive 8; ATAXIA, RECESSIVE, OF BEAUCE; SYNE1 Deficiency. Identifiers: Orphanet 88644, MedGen C1853116, MONDO:0012549, OMIM 610743.
Emery-Dreifuss muscular dystrophy 4, autosomal dominant (EDMD4). Also called: EMERY-DREIFUSS MUSCULAR DYSTROPHY 4 WITH VARIABLE FEATURES. Identifiers: Orphanet 261, MedGen C2751807, MONDO:0013071, OMIM 612998.

Submission:

Labcorp Genetics (formerly Invitae), Labcorp
Classification: Uncertain significance for Emery-Dreifuss muscular dystrophy 4, autosomal dominant; Autosomal recessive ataxia, Beauce type. Last evaluated: 2024-10-24. Review status: criteria provided, single submitter. Criteria: Invitae Variant Classification Sherloc (09022015). Collection method: clinical testing. Allele origin: germline.
Comment: This sequence change replaces arginine, which is basic and polar, with lysine, which is basic and polar, at codon 8017 of the SYNE1 protein (p.Arg8017Lys). This variant is not present in population databases (gnomAD no frequency). This variant has not been reported in the literature in individuals affected with SYNE1-related conditions. ClinVar contains an entry for this variant (Variation ID: 2168447). An algorithm developed to predict the effect of missense changes on protein structure and function (PolyPhen-2) suggests that this variant is likely to be disruptive. In summary, the available evidence is currently insufficient to determine the role of this variant in disease. Therefore, it has been classified as a Variant of Uncertain Significance.